The following is an entry in ClinVar:

NM_001267550.2(TTN):c.104449G>A (p.Glu34817Lys)

Genes: TTN-AS1 (TTN antisense RNA 1; plus strand), TTN (titin; minus strand). Cytogenetic location: 2q31.2.
Variant type: single nucleotide variant.
Coding change: c.104449G>A on transcript NM_001267550.2 (MANE Select); coding-DNA position 104449, G replaced by A.
Protein change: p.Glu34817Lys; replaces glutamic acid 34817 with lysine.
Molecular consequence: missense variant.
Genome position (GRCh38, 1-based): chr2:178,532,166, C>T on the plus strand (G>A on the coding strand, the complement: TTN is on the minus strand). VCF-style: chr2-178532166-C-T. GRCh37 (hg19) VCF-style: chr2-179396893-C-T.
Other names: c.99526G>A, p.Glu33176Lys (NM_001256850.1); c.77254G>A, p.Glu25752Lys (NM_003319.4); c.96745G>A, p.Glu32249Lys (NM_133378.4); c.77629G>A, p.Glu25877Lys (NM_133432.3); c.77830G>A, p.Glu25944Lys (NM_133437.4); short protein forms E33176K, E34817K, E25752K, E25944K, E25877K, E32249K.
Identifiers: ClinVar variation 515133 (VCV000515133.3), dbSNP rs1553488312, ClinGen allele CA349411708.

ClinVar aggregate classification (germline): Conflicting classifications of pathogenicity. Review status: criteria provided, conflicting classifications (1 of 4 stars). 2 submissions from 2 submitters: Uncertain significance (1); Likely benign (1). Last evaluated 2026-01-28.

Conditions:
Autosomal recessive limb-girdle muscular dystrophy type 2J (LGMDR10). Also called: MUSCULAR DYSTROPHY, LIMB-GIRDLE, AUTOSOMAL RECESSIVE 10; Limb-girdle muscular dystrophy, type 2J. Identifiers: Orphanet 140922, MedGen C1837342, MONDO:0012127, OMIM 608807.
Dilated cardiomyopathy 1G (CMD1G). Identifiers: Orphanet 154, MedGen C1858763, MONDO:0011400, OMIM 604145.

Allele frequency attached by ClinVar (database versions not stated): gnomAD exomes 0.00001.
gnomAD v4.1: 7 of 1,613,660 alleles (0.00043%); highest among the groups gnomAD compares: Non-Finnish European, 0.00059%; no homozygotes.

Submissions (2):

Labcorp Genetics (formerly Invitae), Labcorp
Classification: Uncertain significance for Dilated cardiomyopathy 1G; Autosomal recessive limb-girdle muscular dystrophy type 2J. Last evaluated: 2026-01-28. Review status: criteria provided, single submitter. Criteria: Invitae Variant Classification Sherloc (09022015). Collection method: clinical testing. Allele origin: germline.
Comment: This sequence change replaces glutamic acid, which is acidic and polar, with lysine, which is basic and polar, at codon 34817 of the TTN protein (p.Glu34817Lys). This variant is not present in population databases (gnomAD no frequency). This variant has not been reported in the literature in individuals affected with TTN-related conditions. ClinVar contains an entry for this variant (Variation ID: 515133). Experimental studies and prediction algorithms are not available or were not evaluated, and the functional significance of this variant is currently unknown. In summary, the available evidence is currently insufficient to determine the role of this variant in disease. Therefore, it has been classified as a Variant of Uncertain Significance.

GeneDx
Classification: Likely benign. Last evaluated: 2018-01-31. Review status: criteria provided, single submitter. Criteria: GeneDx Variant Classification (06012015). Collection method: clinical testing. Allele origin: germline. Affected: yes.
Comment: This variant is considered likely benign or benign based on one or more of the following criteria: it is a conservative change, it occurs at a poorly conserved position in the protein, it is predicted to be benign by multiple in silico algorithms, and/or has population frequency not consistent with disease.